The following is an entry in ClinVar:

NM_015909.4(NBAS):c.4080G>C (p.Leu1360=)

Gene: NBAS (NBAS subunit of NRZ tethering complex; minus strand). Cytogenetic location: 2p24.3.
Variant type: single nucleotide variant.
Coding change: c.4080G>C on transcript NM_015909.4 (MANE Select); coding-DNA position 4080, G replaced by C.
Protein change: p.Leu1360=; no amino-acid change (leucine 1360 retained).
Molecular consequence: synonymous variant. On other transcripts: non-coding transcript variant (1).
Genome position (GRCh38, 1-based): chr2:15,353,562, C>G on the plus strand (G>C on the coding strand, the complement: NBAS is on the minus strand). VCF-style: chr2-15353562-C-G. GRCh37 (hg19) VCF-style: chr2-15493686-C-G.
Other names: c.4080G>C (NM_015909.3).
Identifiers: ClinVar variation 1559002 (VCV001559002.10), dbSNP rs144401114, ClinGen allele CA1535809.

ClinVar aggregate classification (germline): Likely benign. Review status: criteria provided, single submitter (1 of 4 stars). 2 submissions from 2 submitters: Likely benign (1). 1 of the submissions does not count toward it. Last evaluated 2025-07-02.

Conditions:
NBAS-related disorder. Also called: NBAS-related condition.

Allele frequency attached by ClinVar (database versions not stated): ExAC 0.00003; gnomAD exomes 0.00005 and 0.00018; TOPMed 0.00005; gnomAD 0.00007; ESP Exome Variant Server 0.00015.
gnomAD v4.1: 280 of 1,613,888 alleles (0.017%); highest among the groups gnomAD compares: Non-Finnish European, 0.023%; no homozygotes.

Submissions (2):

Labcorp Genetics (formerly Invitae), Labcorp
Classification: Likely benign. Last evaluated: 2025-07-02. Review status: criteria provided, single submitter. Criteria: Invitae Variant Classification Sherloc (09022015). Collection method: clinical testing. Allele origin: germline.

PreventionGenetics, part of Exact Sciences
Classification: Likely benign for NBAS-related condition. Last evaluated: 2023-05-31. Review status: no assertion criteria provided. Collection method: clinical testing. Allele origin: germline. Not counted in ClinVar's aggregate classification.
Comment: This variant is classified as likely benign based on ACMG/AMP sequence variant interpretation guidelines (Richards et al. 2015 PMID: 25741868, with internal and published modifications).